The following is an entry in ClinVar:

NM_001130969.3(NSMF):c.920A>G (p.Asp307Gly)

Gene: NSMF (NMDA receptor synaptonuclear signaling and neuronal migration factor; minus strand). Cytogenetic location: 9q34.3.
Variant type: single nucleotide variant.
Coding change: c.920A>G on transcript NM_001130969.3 (MANE Select); coding-DNA position 920, A replaced by G.
Protein change: p.Asp307Gly; replaces aspartic acid 307 with glycine.
Molecular consequence: missense variant. On other transcripts: intron variant (1).
Genome position (GRCh38, 1-based): chr9:137,453,733, T>C on the plus strand (A>G on the coding strand, the complement: NSMF is on the minus strand). VCF-style: chr9-137453733-T-C. GRCh37 (hg19) VCF-style: chr9-140348185-T-C.
Other names: c.851A>G, p.Asp284Gly (NM_001130970.2); c.845A>G, p.Asp282Gly (NM_001130971.2); c.914A>G, p.Asp305Gly (NM_015537.5); c.833-553A>G (NM_001178064.2); short protein forms D284G, D305G, D282G, D307G.
Identifiers: ClinVar variation 4750299 (VCV004750299.1).

ClinVar aggregate classification (germline): Uncertain significance (1 of 4 stars; one submission).

Submission:

Labcorp Genetics (formerly Invitae), Labcorp
Classification: Uncertain significance. Last evaluated: 2025-05-26. Review status: criteria provided, single submitter. Criteria: Invitae Variant Classification Sherloc (09022015). Collection method: clinical testing. Allele origin: germline.
Comment: This sequence change replaces aspartic acid, which is acidic and polar, with glycine, which is neutral and non-polar, at codon 305 of the NSMF protein (p.Asp305Gly). This variant is not present in population databases (gnomAD no frequency). This variant has not been reported in the literature in individuals affected with NSMF-related conditions. An algorithm developed to predict the effect of missense changes on protein structure and function (PolyPhen-2) suggests that this variant is likely to be tolerated. In summary, the available evidence is currently insufficient to determine the role of this variant in disease. Therefore, it has been classified as a Variant of Uncertain Significance.